The following is an entry in ClinVar:

NM_000179.3(MSH6):c.710G>A (p.Gly237Glu)

Gene: MSH6 (mutS homolog 6; plus strand). Cytogenetic location: 2p16.3.
Variant type: single nucleotide variant.
Coding change: c.710G>A on transcript NM_000179.3 (MANE Select); coding-DNA position 710, G replaced by A.
Protein change: p.Gly237Glu; replaces glycine 237 with glutamic acid.
Molecular consequence: missense variant. On other transcripts: 5 prime UTR variant (9), non-coding transcript variant (4), intron variant (1).
Genome position (GRCh38, 1-based): chr2:47,798,693, G>A. VCF-style: chr2-47798693-G-A. GRCh37 (hg19) VCF-style: chr2-48025832-G-A.
Other names: c.413G>A, p.Gly138Glu (NM_001406827.1, NM_001406828.1, NM_001406830.1 and 10 more transcripts); c.-197G>A (NM_001406829.1, NM_001281493.2, NM_001281494.2 and 6 more transcripts); c.628-1973G>A (NM_001407362.1); c.320G>A, p.Gly107Glu (NM_001281492.2); c.806G>A, p.Gly269Glu (NM_001406795.1, NM_001406802.1); c.185G>A, p.Gly62Glu (NM_001406806.1, NM_001406807.1, NM_001406799.1); c.710G>A, p.Gly237Glu (NM_001406808.1, NM_001406809.1, NM_001406817.1 and 4 more transcripts); c.716G>A, p.Gly239Glu (NM_001406813.1); and 2 more; short protein forms G107E, G138E, G181E, G211E, G237E, G239E, G269E, G62E.
Identifiers: ClinVar variation 4860425 (VCV004860425.1).
Genomic context (GRCh38, chr2:47,798,693, plus strand): 5'-ATAAGAGTGAAGAAGATAATGAAATTGAGAGTGAAGAGGAAGTACAGCCTAAGACACAAG[G>A]ATCTAGGCGAAGTAGCCGCCAAATAAAAAAACGAAGGGTCATATCAGATTCTGAGAGTGA-3'
Protein context (NP_000170.1, residues 227-247): SEEEVQPKTQ[Gly237Glu]SRRSSRQIKK

ClinVar aggregate classification (germline): Uncertain significance (1 of 4 stars; one submission).

Conditions:
Hereditary cancer-predisposing syndrome. Also called: Neoplastic Syndromes, Hereditary; Tumor predisposition; Hereditary Cancer Syndrome; Hereditary neoplastic syndrome. Identifiers: Orphanet 140162, MedGen C0027672, MeSH D009386, MONDO:0015356.

Submission:

Ambry Genetics
Classification: Uncertain significance for Hereditary cancer-predisposing syndrome. Last evaluated: 2026-06-06. Review status: criteria provided, single submitter. Criteria: Ambry Variant Classification Scheme 2023. Collection method: clinical testing. Allele origin: germline.
Comment: The p.G237E variant (also known as c.710G>A), located in coding exon 4 of the MSH6 gene, results from a G to A substitution at nucleotide position 710. The glycine at codon 237 is replaced by glutamic acid, an amino acid with similar properties. This amino acid position is conserved. In addition, this alteration is predicted to be tolerated by in silico analysis. Based on the available evidence, the clinical significance of this variant remains unclear.